The following is an entry in ClinVar:

NM_024011.4(CDK11A):c.1928G>A (p.Ser643Asn)

Gene: CDK11A (cyclin dependent kinase 11A; minus strand). Cytogenetic location: 1p36.33.
Variant type: single nucleotide variant.
Coding change: c.1928G>A on transcript NM_024011.4 (MANE Select); coding-DNA position 1928, G replaced by A.
Protein change: p.Ser643Asn; replaces serine 643 with asparagine.
Molecular consequence: missense variant. On other transcripts: non-coding transcript variant (2).
Genome position (GRCh38, 1-based): chr1:1,703,608, C>T on the plus strand (G>A on the coding strand, the complement: CDK11A is on the minus strand). VCF-style: chr1-1703608-C-T. GRCh37 (hg19) VCF-style: chr1-1635047-C-T.
Other names: c.1937G>A, p.Ser646Asn (NM_001313896.2); c.1925G>A, p.Ser642Asn (NM_001313982.2); c.1898G>A, p.Ser633Asn (NM_033529.4); short protein forms S633N, S642N, S643N, S646N.
Identifiers: ClinVar variation 5034045 (VCV005034045.1).

ClinVar aggregate classification (germline): Uncertain significance (1 of 4 stars; one submission).

Submission:

Ambry Genetics
Classification: Uncertain significance. Last evaluated: 2026-06-15. Review status: criteria provided, single submitter. Criteria: Ambry Variant Classification Scheme 2023. Collection method: clinical testing. Allele origin: germline.
Comment: The c.1928G>A (p.S643N) alteration is located in exon 18 (coding exon 17) of the CDK11A gene. This alteration results from a G to A substitution at nucleotide position 1928, causing the serine (S) at amino acid position 643 to be replaced by an asparagine (N). Based on data from gnomAD, the A allele has an overall frequency of <0.001% (0/231480) total alleles studied. The highest observed frequency was <0.001% (/) of alleles. Based on insufficient or conflicting evidence, the clinical significance of this alteration remains unclear.